The following is an entry in ClinVar:

NM_001035.3(RYR2):c.10466T>C (p.Ile3489Thr)

Gene: RYR2 (ryanodine receptor 2; plus strand). Cytogenetic location: 1q43.
Variant type: single nucleotide variant.
Coding change: c.10466T>C on transcript NM_001035.3 (MANE Select); coding-DNA position 10466, T replaced by C.
Protein change: p.Ile3489Thr; replaces isoleucine 3489 with threonine.
Molecular consequence: missense variant.
Genome position (GRCh38, 1-based): chr1:237,717,340, T>C. VCF-style: chr1-237717340-T-C. GRCh37 (hg19) VCF-style: chr1-237880640-T-C.
Other names: short protein forms I3489T.
Identifiers: ClinVar variation 3232374 (VCV003232374.1), dbSNP rs2547452518, ClinGen allele CA345414810.
Genomic context (GRCh38, chr1:237,717,340, plus strand): 5'-CTCTGAAGCGGTTACTGCCCATTGGGTTGAACATCTGTGCCCCTGGGGACCAGGAGCTCA[T>C]TGCTCTGGCCAAAAATCGATTTAGCCTGGTAAGTCTCCTTTTCATCCCAGCGGTAATGAT-3'
Protein context (NP_001026.2, residues 3479-3499): NICAPGDQEL[Ile3489Thr]ALAKNRFSLK

ClinVar aggregate classification (germline): Uncertain significance (1 of 4 stars; one submission).

Conditions:
Cardiovascular phenotype. Identifiers: MedGen CN230736.

Allele frequency attached by ClinVar (database versions not stated): gnomAD exomes below 0.00001.

Submission:

Ambry Genetics
Classification: Uncertain significance for Cardiovascular phenotype. Last evaluated: 2023-09-25. Review status: criteria provided, single submitter. Criteria: Ambry Variant Classification Scheme 2023. Collection method: clinical testing. Allele origin: germline.
Comment: The p.I3489T variant (also known as c.10466T>C), located in coding exon 72 of the RYR2 gene, results from a T to C substitution at nucleotide position 10466. The isoleucine at codon 3489 is replaced by threonine, an amino acid with similar properties. This amino acid position is highly conserved in available vertebrate species. In addition, this alteration is predicted to be deleterious by in silico analysis. Since supporting evidence is limited at this time, the clinical significance of this alteration remains unclear.